The following is an entry in ClinVar:

NM_017617.5(NOTCH1):c.3880G>A (p.Glu1294Lys)

Gene: NOTCH1 (notch receptor 1; minus strand). Cytogenetic location: 9q34.3.
Variant type: single nucleotide variant.
Coding change: c.3880G>A on transcript NM_017617.5 (MANE Select); coding-DNA position 3880, G replaced by A.
Protein change: p.Glu1294Lys; replaces glutamic acid 1294 with lysine.
Molecular consequence: missense variant.
Genome position (GRCh38, 1-based): chr9:136,506,737, C>T on the plus strand (G>A on the coding strand, the complement: NOTCH1 is on the minus strand). VCF-style: chr9-136506737-C-T. GRCh37 (hg19) VCF-style: chr9-139401189-C-T.
Other names: c.3880G>A (NM_017617.3); short protein forms E1294K.
Identifiers: ClinVar variation 2851899 (VCV002851899.4), dbSNP rs1247035429, ClinGen allele CA375548981.

ClinVar aggregate classification (germline): Uncertain significance. Review status: criteria provided, multiple submitters, no conflicts (2 of 4 stars). 2 submissions from 2 submitters: Uncertain significance (2). Last evaluated 2025-10-27.

Conditions:
Adams-Oliver syndrome 5 (AOS5). Identifiers: Orphanet 974, MedGen C4014970, MONDO:0014459, OMIM 616028.
Familial thoracic aortic aneurysm and aortic dissection (TAAD). Also called: Thoracic aortic aneurysms and dissections. Identifiers: Orphanet 91387, MedGen C4707243, MONDO:0019625.

Allele frequency attached by ClinVar (database versions not stated): TOPMed below 0.00001; gnomAD exomes 0.00001.
gnomAD v4.1: 11 of 1,601,216 alleles (0.00069%); highest among the groups gnomAD compares: Non-Finnish European, 0.00094%; no homozygotes.

Submissions (2):

Ambry Genetics
Classification: Uncertain significance for Familial thoracic aortic aneurysm and aortic dissection. Last evaluated: 2025-10-27. Review status: criteria provided, single submitter. Criteria: Ambry Variant Classification Scheme 2023. Collection method: clinical testing. Allele origin: germline.
Comment: The p.E1294K variant (also known as c.3880G>A), located in coding exon 23 of the NOTCH1 gene, results from a G to A substitution at nucleotide position 3880. The glutamic acid at codon 1294 is replaced by lysine, an amino acid with similar properties. This variant was reported in individual(s) with tetralogy of Fallot, though one individual was reported to harbor a second nonsense variant in NOTCH1 (Page DJ et al. Circ Res, 2019 Feb;124:553-563; Reuter MS et al. Circ Genom Precis Med, 2021 Aug;14:e003410). This amino acid position is well conserved in available vertebrate species. In addition, the in silico prediction for this alteration is inconclusive. Based on the available evidence, the clinical significance of this variant remains unclear.

Labcorp Genetics (formerly Invitae), Labcorp
Classification: Uncertain significance for Adams-Oliver syndrome 5. Last evaluated: 2023-09-15. Review status: criteria provided, single submitter. Criteria: Invitae Variant Classification Sherloc (09022015). Collection method: clinical testing. Allele origin: germline.
Comment: This sequence change replaces glutamic acid, which is acidic and polar, with lysine, which is basic and polar, at codon 1294 of the NOTCH1 protein (p.Glu1294Lys). This variant is not present in population databases (gnomAD no frequency). This missense change has been observed in individual(s) with Tetralogy of Fallot (PMID: 30582441). Advanced modeling of protein sequence and biophysical properties (such as structural, functional, and spatial information, amino acid conservation, physicochemical variation, residue mobility, and thermodynamic stability) performed at Invitae indicates that this missense variant is not expected to disrupt NOTCH1 protein function. In summary, the available evidence is currently insufficient to determine the role of this variant in disease. Therefore, it has been classified as a Variant of Uncertain Significance.

Literature cited by the submitters: PubMed 30582441 (cited by Ambry Genetics and Labcorp Genetics (formerly Invitae), Labcorp); PubMed 34328347 (cited by Ambry Genetics).